The following is an entry in ClinVar:

NM_000038.6(APC):c.1565dup (p.Met522fs)

Gene: APC (APC regulator of Wnt signaling pathway; plus strand). Cytogenetic location: 5q22.2.
Variant type: Duplication.
Coding change: c.1565dup on transcript NM_000038.6 (MANE Select); coding-DNA position 1565, one base duplicated (T; older notation c.1565dupT).
Protein change: p.Met522fs; shifts the reading frame from methionine 522.
Molecular consequence: frameshift variant.
Genome position (GRCh38, 1-based): chr5:112,827,945, T duplicated. VCF-style (leftmost placement, unchanged base first): chr5-112827944-A-AT. GRCh37 (hg19) VCF-style: chr5-112163641-A-AT.
Other names: c.1565dup, p.Met522fs (NM_001127510.3, NM_001354895.2); c.1511dup, p.Met504fs (NM_001127511.3); c.1619dup, p.Met540fs (NM_001354896.2); c.1595dup, p.Met532fs (NM_001354897.2); c.1490dup, p.Met497fs (NM_001354898.2); c.1481dup, p.Met494fs (NM_001354899.2); c.1442dup, p.Met481fs (NM_001354900.2); c.1388dup, p.Met463fs (NM_001354901.2); and 16 more; short protein forms M494fs, M431fs, M239fs, M362fs, M421fs, M481fs, M532fs, M540fs.
Identifiers: ClinVar variation 2124487 (VCV002124487.6), dbSNP rs2533218996, ClinGen allele CA2580072427.

ClinVar aggregate classification (germline): Pathogenic. Review status: criteria provided, multiple submitters, no conflicts (2 of 4 stars). 2 submissions from 2 submitters: Pathogenic (2). Last evaluated 2024-09-30.

Conditions:
Familial adenomatous polyposis 1 (FAP1). Also called: POLYPOSIS, ADENOMATOUS INTESTINAL; FAMILIAL ADENOMATOUS POLYPOSIS 1, ATTENUATED. Identifiers: MedGen C2713442, MONDO:0021056, OMIM 175100. Disease mechanism: loss of function.

Submissions (2):

Labcorp Genetics (formerly Invitae), Labcorp
Classification: Pathogenic for Familial adenomatous polyposis 1. Last evaluated: 2024-09-30. Review status: criteria provided, single submitter. Criteria: Invitae Variant Classification Sherloc (09022015). Collection method: clinical testing. Allele origin: germline.
Comment: This sequence change creates a premature translational stop signal (p.Met522Ilefs*15) in the APC gene. It is expected to result in an absent or disrupted protein product. Loss-of-function variants in APC are known to be pathogenic (PMID: 17963004, 20685668). This variant is not present in population databases (gnomAD no frequency). This variant has not been reported in the literature in individuals affected with APC-related conditions. ClinVar contains an entry for this variant (Variation ID: 2124487). For these reasons, this variant has been classified as Pathogenic.

Myriad Genetics, Inc.
Classification: Pathogenic for Familial adenomatous polyposis 1. Last evaluated: 2023-05-02. Review status: criteria provided, single submitter. Criteria: Myriad Autosomal Dominant, Autosomal Recessive and X-Linked Classification Criteria (2023). Collection method: clinical testing. Allele origin: unknown.
Comment: This variant is considered pathogenic. This variant creates a frameshift predicted to result in premature protein truncation.

Literature cited by the submitters: PubMed 17963004 (cited by Labcorp Genetics (formerly Invitae), Labcorp); PubMed 20685668 (cited by Labcorp Genetics (formerly Invitae), Labcorp).